The following is an entry in ClinVar:

NM_001379500.1(COL18A1):c.1199C>T (p.Thr400Ile)

Gene: COL18A1 (collagen type XVIII alpha 1 chain; plus strand). Cytogenetic location: 21q22.3.
Variant type: single nucleotide variant.
Coding change: c.1199C>T on transcript NM_001379500.1 (MANE Select); coding-DNA position 1199, C replaced by T.
Protein change: p.Thr400Ile; replaces threonine 400 with isoleucine.
Molecular consequence: missense variant.
Genome position (GRCh38, 1-based): chr21:45,477,943, C>T. VCF-style: chr21-45477943-C-T. GRCh37 (hg19) VCF-style: chr21-46897857-C-T.
Other names: c.1739C>T, p.Thr580Ile (NM_030582.4); c.2444C>T, p.Thr815Ile (NM_130444.3); short protein forms T815I, T580I, T400I.
Identifiers: ClinVar variation 1517774 (VCV001517774.6), dbSNP rs2035739552, ClinGen allele CA410515689.

ClinVar aggregate classification (germline): Uncertain significance (1 of 4 stars; one submission).

Allele frequency attached by ClinVar (database versions not stated): gnomAD exomes below 0.00001; gnomAD 0.00001; TOPMed 0.00002.
gnomAD v4.1: 4 of 1,549,412 alleles (0.00026%); highest among the groups gnomAD compares: African/African-American, 0.0014%; no homozygotes.

Submission:

Labcorp Genetics (formerly Invitae), Labcorp
Classification: Uncertain significance. Last evaluated: 2021-08-11. Review status: criteria provided, single submitter. Criteria: Invitae Variant Classification Sherloc (09022015). Collection method: clinical testing. Allele origin: germline.
Comment: In summary, the available evidence is currently insufficient to determine the role of this variant in disease. Therefore, it has been classified as a Variant of Uncertain Significance. Experimental studies and prediction algorithms are not available or were not evaluated, and the functional significance of this variant is currently unknown. This variant has not been reported in the literature in individuals affected with COL18A1-related conditions. This variant is not present in population databases (ExAC no frequency). This sequence change replaces threonine with isoleucine at codon 400 of the COL18A1 protein (p.Thr400Ile). There is a moderate physicochemical difference between threonine and isoleucine.